The following is an entry in ClinVar:

ClinVar aggregate classification (germline): Uncertain significance (1 of 4 stars; one submission).

Conditions:
Brugada syndrome. Also called: Sudden Unexplained Death Syndrome; Sudden Unexplained Nocturnal Death Syndrome (SUNDS); Sudden unexpected nocturnal death syndrome; Sudden unexplained nocturnal death syndrome. Identifiers: Orphanet 130, MedGen C1142166, MONDO:0015263.

gnomAD v4.1: 1 of 1,557,032 alleles (0.000064%); no homozygotes.

Submission:

Labcorp Genetics (formerly Invitae), Labcorp
Classification: Uncertain significance for Brugada syndrome. Last evaluated: 2020-11-13. Review status: criteria provided, single submitter. Criteria: Invitae Variant Classification Sherloc (09022015). Collection method: clinical testing. Allele origin: germline.
Comment: This sequence change replaces arginine with histidine at codon 383 of the CACNA2D1 protein (p.Arg383His). The arginine residue is highly conserved and there is a small physicochemical difference between arginine and histidine. This variant is not present in population databases (ExAC no frequency). This variant has not been reported in the literature in individuals with CACNA2D1-related conditions. Algorithms developed to predict the effect of missense changes on protein structure and function (SIFT, PolyPhen-2, Align-GVGD) all suggest that this variant is likely to be disruptive, but these predictions have not been confirmed by published functional studies and their clinical significance is uncertain. In summary, the available evidence is currently insufficient to determine the role of this variant in disease. Therefore, it has been classified as a Variant of Uncertain Significance.

NM_000722.4(CACNA2D1):c.1148G>A (p.Arg383His)

Genes: CACNA2D1 (calcium voltage-gated channel auxiliary subunit alpha2delta 1; minus strand), CACNA2D1-AS1 (CACNA2D1 antisense RNA 1; plus strand). Cytogenetic location: 7q21.11.
Variant type: single nucleotide variant.
Coding change: c.1148G>A on transcript NM_000722.4 (MANE Select); coding-DNA position 1148, G replaced by A.
Protein change: p.Arg383His; replaces arginine 383 with histidine.
Molecular consequence: missense variant.
Genome position (GRCh38, 1-based): chr7:82,014,475, C>T on the plus strand (G>A on the coding strand, the complement: CACNA2D1 is on the minus strand). VCF-style: chr7-82014475-C-T. GRCh37 (hg19) VCF-style: chr7-81643791-C-T.
Other names: c.1148G>A, p.Arg383His (NM_001366867.1); short protein forms R383H.
Identifiers: ClinVar variation 1394039 (VCV001394039.8), dbSNP rs1562870772, ClinGen allele CA367878347.